The following is an entry in ClinVar:

ClinVar aggregate classification (germline): Uncertain significance. Review status: criteria provided, multiple submitters, no conflicts (2 of 4 stars). 10 submissions from 10 submitters: Uncertain significance (10). Last evaluated 2026-08-11.

Conditions:
CHEK2-related disorder.
Hereditary cancer-predisposing syndrome. Also called: Neoplastic Syndromes, Hereditary; Hereditary Cancer Syndrome; Tumor predisposition; Hereditary neoplastic syndrome. Identifiers: Orphanet 140162, MedGen C0027672, MeSH D009386, MONDO:0015356.
Hereditary breast ovarian cancer syndrome. Also called: BRCA1- and BRCA2-Associated Hereditary Breast and Ovarian Cancer; Hereditary breast and ovarian cancer; Hereditary breast and ovarian cancer syndrome; Hereditary breast and ovarian cancer syndrome (HBOC); Hereditary breast and/or ovarian cancer syndrome; Breast and ovarian cancer. Identifiers: Orphanet 145, MedGen C0677776, MeSH D061325, MONDO:0003582. Disease mechanism: loss of function.
Familial cancer of breast. Also called: BREAST CANCER, FAMILIAL; Hereditary breast cancer; hereditary breast carcinoma. Identifiers: Orphanet 227535, MedGen C0346153, MONDO:0016419, OMIM 114480. Disease mechanism: loss of function.

Allele frequency attached by ClinVar (database versions not stated): TOPMed 0.00001; gnomAD 0.00001; gnomAD exomes below 0.00001.
gnomAD v4.1: 5 of 1,611,956 alleles (0.00031%); highest among the groups gnomAD compares: African/African-American, 0.0013%; no homozygotes.

Submissions (10):

German Consortium for Hereditary Breast and Ovarian Cancer, University Hospital Cologne
Classification: Uncertain significance for Hereditary breast ovarian cancer syndrome. Last evaluated: 2026-08-11. Review status: criteria provided, single submitter. Criteria: ACMG SVI. Collection method: curation. Allele origin: germline.
Comment: This classification follows the ACMG SVI adaptation classification scheme; We chose these criteria: PS3 (strong pathogenic): Stolarova (2023, PMID: 37449874): DAMAGING in CHK2 & KAP1-assay Delimitsou (2019, PMID: 30851065): Non-functional , PM2 (supporting pathogenic): gnomAD v4.1.1 European (non Finnish) MAF = 0.000003394 (= 0.0003%, thus <0.001%)

GeneDx
Classification: Uncertain significance. Last evaluated: 2026-07-24. Review status: criteria provided, single submitter. Criteria: GeneDx Variant Classification Process June 2021. Collection method: clinical testing. Allele origin: germline.
Comment: Observed in individuals with breast, prostate, or colon cancer (PMID: 29368341, 21244692, 35475445, 35886069); Published functional studies demonstrate reduced response to DNA damage in a yeast-based assay (PMID: 30851065); In silico analysis supports that this missense variant has a deleterious effect on protein structure/function; Not observed at significant frequency in large population cohorts (gnomAD); This variant is associated with the following publications: (PMID: 29368341, 21244692, 26787654, 30344923, 35886069, 31159747, 35475445, 30262796, 22419737, 19782031, 37449874, 30851065)

Women's Health and Genetics/Laboratory Corporation of America, LabCorp
Classification: Uncertain significance. Last evaluated: 2026-03-12. Review status: criteria provided, single submitter. Criteria: LabCorp Variant Classification Summary - May 2015. Collection method: clinical testing. Allele origin: germline.
Comment: Variant summary: CHEK2 c.911T>C (p.Met304Thr) results in a non-conservative amino acid change located in the Protein kinase domain of the encoded protein sequence. Algorithms developed to predict the effect of missense changes on protein structure and function are either unavailable or do not agree on the potential impact of this missense change. Consensus agreement among computation tools predict no significant impact on normal splicing. However, these predictions have yet to be confirmed by functional studies. The variant allele was found at a frequency of 4e-06 in 253012 control chromosomes (gnomAD). c.911T>C has been observed in individual(s) affected with Breast Cancer (LeCalvez-Kelm_2011, Dorling_2021, Paduano_2022), Prostate Cancer (IsaacssonVelho_2018) and Colorectal cancer (Liccardo_2022). These reports do not provide unequivocal conclusions about association of the variant with Breast Cancer. At least one publication reports experimental evidence evaluating an impact on protein function. The most pronounced variant effect results in about 50% of normal growth rates in Yeast (Delimitsou_2019, Stolarova_2023). The following publications have been ascertained in the context of this evaluation (PMID: 21244692, 26787654, 30851065, 35886069, 35475445, 29368341, 33471991, 37449874). ClinVar contains an entry for this variant (Variation ID: 141817). Based on the evidence outlined above, the variant was classified as VUS-possibly pathogenic.

Labcorp Genetics (formerly Invitae), Labcorp
Classification: Uncertain significance for Familial cancer of breast. Last evaluated: 2026-01-13. Review status: criteria provided, single submitter. Criteria: Invitae Variant Classification Sherloc (09022015). Collection method: clinical testing. Allele origin: germline.
Comment: This sequence change replaces methionine, which is neutral and non-polar, with threonine, which is neutral and polar, at codon 304 of the CHEK2 protein (p.Met304Thr). This variant is not present in population databases (gnomAD no frequency). This missense change has been observed in individual(s) with breast cancer, prostate cancer or Wilms tumor (PMID: 21244692, 29368341, 30344923, 35886069). ClinVar contains an entry for this variant (Variation ID: 141817). An algorithm developed to predict the effect of missense changes on protein structure and function (PolyPhen-2) suggests that this variant is likely to be disruptive. Experimental studies have shown that this missense change affects CHEK2 function (PMID: 30851065, 37449874). In summary, the available evidence is currently insufficient to determine the role of this variant in disease. Therefore, it has been classified as a Variant of Uncertain Significance.

Ambry Genetics
Classification: Uncertain significance for Hereditary cancer-predisposing syndrome. Last evaluated: 2025-05-02. Review status: criteria provided, single submitter. Criteria: Ambry Variant Classification Scheme 2023. Collection method: clinical testing. Allele origin: germline.
Comment: The p.M304T variant (also known as c.911T>C), located in coding exon 8 of the CHEK2 gene, results from a T to C substitution at nucleotide position 911. The methionine at codon 304 is replaced by threonine, an amino acid with similar properties. This alteration has been identified in multiple individuals undergoing genetic testing based on a personal and/or family history of cancer (Le Calvez-Kelm F et al. Breast Cancer Res, 2011 Jan;13:R6; Young EL et al. J Med Genet, 2016 06;53:366-76; Isaacsson Velho P et al. Prostate, 2018 04;78:401-407; Liccardo R et al. Int J Mol Med, 2022 Jun;49:; Paduano F et al. Genes (Basel), 2022 Jul;13:). This alteration behaved as non-functional in an in vivo, yeast-based growth rate assay (Delimitsou A et al. Hum Mutat, 2019 05;40:631-648). This variant was also reported as functionally impaired in a study assessing CHEK2-complementation through quantification of KAP1 phosphorylation and CHK2 autophosphorylation in human RPE1-CHEK2-knockout cells (Stolarova L et al. Clin Cancer Res, 2023 Aug;29:3037-3050). This amino acid position is highly conserved in available vertebrate species. In addition, this alteration is predicted to be deleterious by in silico analysis. Based on the available evidence, the clinical significance of this variant remains unclear.

Molecular Pathology, Peter Maccallum Cancer Centre
Classification: Uncertain significance for Familial cancer of breast. Last evaluated: 2024-06-24. Review status: criteria provided, single submitter. Criteria: ACMG Guidelines, 2015. Collection method: clinical testing. Allele origin: germline. Inheritance: Autosomal dominant inheritance.

Color Diagnostics, LLC DBA Color Health
Classification: Uncertain significance for Hereditary cancer-predisposing syndrome. Last evaluated: 2024-06-14. Review status: criteria provided, single submitter. Criteria: ACMG Guidelines, 2015. Collection method: clinical testing. Allele origin: germline.
Comment: This missense variant replaces methionine with threonine at codon 304 of the CHEK2 protein. Computational prediction suggests that this variant may not impact protein structure and function. A functional study has shown that this variant is damaging to CHEK2 function in a yeast-based DNA damage repair assay (PMID: 30851065) and in phosphorylation assays (PMID: 37449874). This variant has been reported in individuals affected with breast cancer (PMID: 21244692, 26787654, 33471991; Leiden Open Variation Database DB-ID CHEK2_000404, 35886069), prostate cancer (PMID: 29368341), colorectal cancer (PMID: 35475445) and Wilms tumor (PMID: 30344923). This variant has been identified in 1/250794 chromosomes in the general population by the Genome Aggregation Database (gnomAD). The available evidence is insufficient to determine the role of this variant in disease conclusively. Therefore, this variant is classified as a Variant of Uncertain Significance.

Baylor Genetics
Classification: Uncertain significance for Familial cancer of breast. Last evaluated: 2023-12-21. Review status: criteria provided, single submitter. Criteria: ACMG Guidelines, 2015. Collection method: clinical testing. Allele origin: unknown.

PreventionGenetics, part of Exact Sciences
Classification: Uncertain significance for CHEK2-related condition. Last evaluated: 2023-06-23. Review status: criteria provided, single submitter. Criteria: ACMG Guidelines, 2015. Collection method: clinical testing. Allele origin: germline.
Comment: The CHEK2 c.911T>C variant is predicted to result in the amino acid substitution p.Met304Thr. This variant has been reported in individuals with breast cancer, prostate cancer, and Wilms tumor (Le Calvez-Kelm et al. 2011. PubMed ID: 21244692; Isaacsson Velho et al. 2018. PubMed ID: 29368341; Ciceri et al. 2018. PubMed ID: 30344923). Functional studies in yeast showed that this variant is damaging (Delimitsou et al. 2019. PubMed ID: 30851065). This variant is reported in 0.00088% of alleles in individuals of European (Non-Finnish) descent in gnomAD, and is interpreted as variant of uncertain significance in ClinVar. At this time, the clinical significance of this variant is uncertain due to the absence of conclusive functional and genetic evidence.

Genetic Services Laboratory, University of Chicago
Classification: Uncertain significance. Last evaluated: 2020-08-27. Review status: criteria provided, single submitter. Criteria: ACMG Guidelines, 2015. Collection method: clinical testing. Allele origin: germline. Affected: no.
Comment: DNA sequence analysis of the CHEK2 gene demonstrated a sequence change, c.911T>C, in exon 9 that results in an amino acid change, p.Met304Thr. This sequence change has been reported in several individuals with prostate cancer, breast cancer and Wilms tumor (PMIDs: 29368341, 21244692, 30344923). This sequence change has also been described in the gnomAD database with a low population frequency of 0.0004% (dbSNP rs587782033). The p.Met304Thr change affects a moderately conserved amino acid residue located in the kinase domain of the CHEK2 protein. The p.Met304Thr substitution appears to be deleterious using three of these four in-silico pathogenicity prediction tools (SIFT, PolyPhen2, Align GVGD, REVEL). One functional study in yeast shows p.Met304Thr is a damaging variant (PMID: 30851065). Collectively, the clinical significance of the p.Met304Thr change remains unknown at this time.

Literature cited by the submitters: PubMed 21244692 (cited by 4 submitters); PubMed 26787654 (cited by 3 submitters); PubMed 29368341 (cited by 4 submitters); PubMed 30851065 (cited by 4 submitters); PubMed 33471991 (cited by Women's Health and Genetics/Laboratory Corporation of America, LabCorp and Color Diagnostics, LLC DBA Color Health); PubMed 35475445 (cited by 3 submitters); PubMed 35886069 (cited by 4 submitters); PubMed 37449874 (cited by 4 submitters); PubMed 30344923 (cited by Labcorp Genetics (formerly Invitae), Labcorp and Color Diagnostics, LLC DBA Color Health).

NM_007194.4(CHEK2):c.911T>C (p.Met304Thr)

Gene: CHEK2 (checkpoint kinase 2; minus strand). Cytogenetic location: 22q12.1.
Variant type: single nucleotide variant.
Coding change: c.911T>C on transcript NM_007194.4 (MANE Select); coding-DNA position 911, T replaced by C.
Protein change: p.Met304Thr; replaces methionine 304 with threonine.
Molecular consequence: missense variant.
Genome position (GRCh38, 1-based): chr22:28,699,935, A>G on the plus strand (T>C on the coding strand, the complement: CHEK2 is on the minus strand). VCF-style: chr22-28699935-A-G. GRCh37 (hg19) VCF-style: chr22-29095923-A-G.
Other names: p.M304T:ATG>ACG; c.1040T>C, p.Met347Thr (NM_001005735.3); c.248T>C, p.Met83Thr (NM_001257387.3); c.710T>C, p.Met237Thr (NM_001349956.3); c.911T>C, p.Met304Thr (NM_145862.3); short protein forms M304T, M347T, M237T, M83T.
Identifiers: ClinVar variation 141817 (VCV000141817.32), dbSNP rs587782033, ClinGen allele CA294200.
Genomic context (GRCh38, chr22:28,699,935, plus strand): 5'-CAGGTAGCTTCTTTCAGGCGTTTATTCCCCACCACTTTGTCAAACAGCTCTCCCCCTTCC[A>G]TCCTGAAACACAAAGGCAAGGCAAGGGGTTCATTCCTGGGGGAAAACGCACTTGGACAGA-3'
Protein context (NP_009125.1, residues 294-314): AEDYYIVLEL[Met304Thr]EGGELFDKVV